The following is an entry in ClinVar:

NM_001367943.1(TCF7L2):c.84G>C (p.Glu28Asp)

Gene: TCF7L2 (transcription factor 7 like 2; plus strand). Cytogenetic location: 10q25.2.
Variant type: single nucleotide variant.
Coding change: c.84G>C on transcript NM_001367943.1 (MANE Select); coding-DNA position 84, G replaced by C.
Protein change: p.Glu28Asp; replaces glutamic acid 28 with aspartic acid.
Molecular consequence: missense variant.
Genome position (GRCh38, 1-based): chr10:112,950,840, G>C. VCF-style: chr10-112950840-G-C. GRCh37 (hg19) VCF-style: chr10-114710599-G-C.
Other names: c.84G>C, p.Glu28Asp (NM_001146274.2, NM_001146283.2, NM_001146284.2 and 11 more transcripts); c.84G>C (NM_001146274.1); short protein forms E28D.
Identifiers: ClinVar variation 1049660 (VCV001049660.2), dbSNP rs373425129, ClinGen allele CA5692700.

ClinVar aggregate classification (germline): Likely benign. Review status: criteria provided, single submitter (1 of 4 stars). 2 submissions from 2 submitters: Likely benign (1). 1 of the submissions does not count toward it. Last evaluated 2024-08-26.

Conditions:
Inborn genetic diseases. Identifiers: MedGen C0950123, MeSH D030342.

gnomAD v4.1: 226 of 1,608,322 alleles (0.014%); highest among the groups gnomAD compares: Non-Finnish European, 0.018%; no homozygotes.

Submissions (2):

Ambry Genetics
Classification: Likely benign for Inborn genetic diseases. Last evaluated: 2024-08-26. Review status: criteria provided, single submitter. Criteria: Ambry Variant Classification Scheme 2023. Collection method: clinical testing. Allele origin: germline.

Department of Pathology and Laboratory Medicine, Sinai Health System
Classification: Uncertain significance. Review status: no assertion criteria provided. Collection method: clinical testing. Allele origin: unknown. Affected: yes. Study: The Canadian Open Genetics Repository (COGR). Not counted in ClinVar's aggregate classification.
Comment: The TCF7L2 p.E28D variant was not identified in the literature nor was it identified in ClinVar, Cosmic, or LOVD 3.0. The variant was identified in dbSNP (ID: rs373425129) and in control databases in 10 of 242200 chromosomes at a frequency of 0.000041 (Genome Aggregation Database Feb 27, 2017). The variant was observed in the European (non-Finnish) population in 10 of 109400 chromosomes (freq: 0.000091), but was not observed in the African, Latino, Ashkenazi Jewish, East Asian, European (Finnish), Other or South Asian populations. The p.Glu28 residue is conserved in mammals and computational analyses (PolyPhen-2, SIFT, AlignGVGD, BLOSUM, MutationTaster) provide inconsistent predictions regarding the impact to the protein; this information is not very predictive of pathogenicity. The variant occurs outside of the splicing consensus sequence and in silico or computational prediction software programs (SpliceSiteFinder, MaxEntScan, NNSPLICE, GeneSplicer) do not predict a difference in splicing. In summary, based on the above information the clinical significance of this variant cannot be determined with certainty at this time. This variant is classified as a variant of uncertain significance.